The following is an entry in ClinVar:

NM_032229.3(SLITRK6):c.1806G>A (p.Thr602=)

Gene: SLITRK6 (SLIT and NTRK like family member 6; minus strand). Cytogenetic location: 13q31.1.
Variant type: single nucleotide variant.
Coding change: c.1806G>A on transcript NM_032229.3 (MANE Select); coding-DNA position 1806, G replaced by A.
Protein change: p.Thr602=; no amino-acid change (threonine 602 retained).
Molecular consequence: synonymous variant.
Genome position (GRCh38, 1-based): chr13:85,794,703, C>T on the plus strand (G>A on the coding strand, the complement: SLITRK6 is on the minus strand). VCF-style: chr13-85794703-C-T. GRCh37 (hg19) VCF-style: chr13-86368838-C-T.
Other names: c.1806G>A (NM_032229.2).
Identifiers: ClinVar variation 2902796 (VCV002902796.4), dbSNP rs375333967, ClinGen allele CA7015019.

ClinVar aggregate classification (germline): Benign/Likely benign. Review status: criteria provided, multiple submitters, no conflicts (2 of 4 stars). 2 submissions from 2 submitters: Benign (1); Likely benign (1). Last evaluated 2026-05-21.

Conditions:
SLITRK6-related disorder. Also called: SLITRK6-related condition.

Allele frequency attached by ClinVar (database versions not stated): ExAC 0.00006; TOPMed 0.00006; ESP Exome Variant Server 0.00008; gnomAD 0.00009.
gnomAD v4.1: 66 of 1,612,990 alleles (0.0041%); highest among the groups gnomAD compares: Middle Eastern, 0.033%; 1 homozygote.

Submissions (2):

PreventionGenetics, part of Exact Sciences
Classification: Likely benign for SLITRK6-related condition. Last evaluated: 2026-05-21. Review status: criteria provided, single submitter. Criteria: ACMG Guidelines, 2015. Collection method: clinical testing. Allele origin: germline.
Comment: This variant is classified as likely benign based on ACMG/AMP sequence variant interpretation guidelines (Richards et al. 2015 PMID: 25741868, with internal and published modifications).

Labcorp Genetics (formerly Invitae), Labcorp
Classification: Benign. Last evaluated: 2023-05-27. Review status: criteria provided, single submitter. Criteria: Invitae Variant Classification Sherloc (09022015). Collection method: clinical testing. Allele origin: germline.